The following is an entry in ClinVar:

NM_001365088.1(SLC12A6):c.1493-18dup

Gene: SLC12A6 (solute carrier family 12 member 6; minus strand). Cytogenetic location: 15q14.
Variant type: Duplication.
Coding change: c.1493-18dup on transcript NM_001365088.1 (MANE Select); 18 bases into the intron before coding-DNA position 1493, one base duplicated (T; older notation c.1493-18dupT).
Molecular consequence: intron variant.
Genome position (GRCh38, 1-based): chr15:34,250,747, A duplicated on the plus strand (T on the coding strand, the reverse complement: SLC12A6 is on the minus strand); the first of 6 consecutive A bases (chr15:34,250,747-34,250,752); duplicating any one gives the same sequence. VCF-style (leftmost placement, unchanged base first): chr15-34250746-G-GA. GRCh37 (hg19) VCF-style: chr15-34542947-G-GA.
Other names: c.1316-18dup (NM_001042495.2, NM_001042494.2); c.1466-18dup (NM_001042496.2); c.1448-18dup (NM_001042497.2); c.1493-18dup (NM_133647.2); c.1340-18dup (NM_005135.2); c.1493-18dupT (NM_133647.1).
Identifiers: ClinVar variation 508326 (VCV000508326.8), dbSNP rs532293212, ClinGen allele CA7464292.
Genomic context (GRCh38, chr15:34,250,746, plus strand): 5'-AGCATCTTTCAGATCTCCAGATCTGTTTGATCCAGCCATGATACCTTTAGAGATAAGGGG[G>GA]AAAAAACCAAGTTAACTTCTTGGACACTTTGATATTGATACTGATAGCAAAGAGTAGAAG-3'

ClinVar aggregate classification (germline): Likely benign. Review status: criteria provided, multiple submitters, no conflicts (2 of 4 stars). 2 submissions from 2 submitters: Likely benign (2). Last evaluated 2026-01-19.

Submissions (2):

Labcorp Genetics (formerly Invitae), Labcorp
Classification: Likely benign. Last evaluated: 2026-01-19. Review status: criteria provided, single submitter. Criteria: Invitae Variant Classification Sherloc (09022015). Collection method: clinical testing. Allele origin: germline.

GeneDx
Classification: Likely benign. Last evaluated: 2017-10-05. Review status: criteria provided, single submitter. Criteria: GeneDx Variant Classification (06012015). Collection method: clinical testing. Allele origin: germline. Affected: yes.
Comment: This variant is considered likely benign or benign based on one or more of the following criteria: it is a conservative change, it occurs at a poorly conserved position in the protein, it is predicted to be benign by multiple in silico algorithms, and/or has population frequency not consistent with disease.